The following is an entry in ClinVar:

NM_000222.3(KIT):c.1035C>G (p.His345Gln)

Gene: KIT (KIT proto-oncogene, receptor tyrosine kinase; plus strand). Cytogenetic location: 4q12.
Variant type: single nucleotide variant.
Coding change: c.1035C>G on transcript NM_000222.3 (MANE Select); coding-DNA position 1035, C replaced by G.
Protein change: p.His345Gln; replaces histidine 345 with glutamine.
Molecular consequence: missense variant.
Genome position (GRCh38, 1-based): chr4:54,707,207, C>G. VCF-style: chr4-54707207-C-G. GRCh37 (hg19) VCF-style: chr4-55573373-C-G.
Other names: c.1035C>G, p.His345Gln (NM_001093772.2, NM_001385285.1, NM_001385286.1); c.1038C>G, p.His346Gln (NM_001385284.1, NM_001385288.1, NM_001385290.1 and 1 more transcripts); short protein forms H345Q, H346Q.
Identifiers: ClinVar variation 1442698 (VCV001442698.8), dbSNP rs1446098264, ClinGen allele CA356901011.
Genomic context (GRCh38, chr4:54,707,207, plus strand): 5'-AAACGATGGAGAAAATGTAGATTTGATTGTTGAATATGAAGCATTCCCCAAACCTGAACA[C>G]CAGCAGTGGATCTATATGAACAGAACCTTCACTGATAAATGGGAAGATTATCCCAAGTCT-3'
Protein context (NP_000213.1, residues 335-355): VEYEAFPKPE[His345Gln]QQWIYMNRTF

ClinVar aggregate classification (germline): Uncertain significance. Review status: criteria provided, multiple submitters, no conflicts (2 of 4 stars). 2 submissions from 2 submitters: Uncertain significance (2). Last evaluated 2024-07-22.

Conditions:
Hereditary cancer-predisposing syndrome. Also called: Hereditary neoplastic syndrome; Tumor predisposition; Hereditary Cancer Syndrome; Neoplastic Syndromes, Hereditary. Identifiers: Orphanet 140162, MedGen C0027672, MeSH D009386, MONDO:0015356.
Gastrointestinal stromal tumor. Also called: Gastrointestinal stroma tumor; Gastrointestinal stromal tumor, somatic. Identifiers: Orphanet 44890, MedGen C0238198, MeSH D046152, MONDO:0011719, OMIM 606764, HP:0100723.

Allele frequency attached by ClinVar (database versions not stated): gnomAD exomes below 0.00001; TOPMed below 0.00001; gnomAD 0.00001.
gnomAD v4.1: 2 of 1,610,008 alleles (0.00012%); highest among the groups gnomAD compares: Non-Finnish European, 0.00017%; no homozygotes.

Submissions (2):

Labcorp Genetics (formerly Invitae), Labcorp
Classification: Uncertain significance for Gastrointestinal stromal tumor. Last evaluated: 2024-07-22. Review status: criteria provided, single submitter. Criteria: Invitae Variant Classification Sherloc (09022015). Collection method: clinical testing. Allele origin: germline.
Comment: This sequence change replaces histidine, which is basic and polar, with glutamine, which is neutral and polar, at codon 345 of the KIT protein (p.His345Gln). This variant is not present in population databases (gnomAD no frequency). This variant has not been reported in the literature in individuals affected with KIT-related conditions. ClinVar contains an entry for this variant (Variation ID: 1442698). An algorithm developed to predict the effect of missense changes on protein structure and function outputs the following: PolyPhen-2: "Benign". The glutamine amino acid residue is found in multiple mammalian species, which suggests that this missense change does not adversely affect protein function. In summary, the available evidence is currently insufficient to determine the role of this variant in disease. Therefore, it has been classified as a Variant of Uncertain Significance.

Ambry Genetics
Classification: Uncertain significance for Hereditary cancer-predisposing syndrome. Last evaluated: 2024-02-20. Review status: criteria provided, single submitter. Criteria: Ambry Variant Classification Scheme 2023. Collection method: clinical testing. Allele origin: germline.
Comment: The p.H345Q variant (also known as c.1035C>G), located in coding exon 6 of the KIT gene, results from a C to G substitution at nucleotide position 1035. The histidine at codon 345 is replaced by glutamine, an amino acid with highly similar properties. This amino acid position is conserved. In addition, this alteration is predicted to be tolerated by in silico analysis. Since supporting evidence is limited at this time, the clinical significance of this alteration remains unclear.